The following is an entry in ClinVar:

NM_004415.4(DSP):c.1903+6C>A

Gene: DSP (desmoplakin; plus strand). Cytogenetic location: 6p24.3.
Variant type: single nucleotide variant.
Coding change: c.1903+6C>A on transcript NM_004415.4 (MANE Select); 6 bases into the intron after coding-DNA position 1903, C replaced by A.
Molecular consequence: intron variant.
Genome position (GRCh38, 1-based): chr6:7,571,590, C>A. VCF-style: chr6-7571590-C-A. GRCh37 (hg19) VCF-style: chr6-7571823-C-A.
Other names: c.1903+6C>A (NM_001319034.2, NM_001008844.3).
Identifiers: ClinVar variation 4758141 (VCV004758141.1).

ClinVar aggregate classification (germline): Uncertain significance (1 of 4 stars; one submission).

Conditions:
Cardiomyopathy (CMYO). Also called: Cardiomyopathies. Identifiers: Orphanet 167848, MedGen C0878544, MONDO:0004994, HP:0001638. Inheritance: Various modes of inheritance.

Submission:

Color Diagnostics, LLC DBA Color Health
Classification: Uncertain significance for Cardiomyopathy. Last evaluated: 2025-10-27. Review status: criteria provided, single submitter. Criteria: ACMG Guidelines, 2015. Collection method: clinical testing. Allele origin: germline.
Comment: This variant causes a C to A nucleotide substitution at the +6 position of intron 14 of the DSP gene. To our knowledge, functional studies have not been reported for this variant. This variant has not been reported in individuals affected with DSP-related disorders in the literature. This variant has not been identified in the general population by the Genome Aggregation Database (gnomAD). The available evidence is insufficient to determine the role of this variant in disease conclusively. Therefore, this variant is classified as a Variant of Uncertain Significance.